The following is an entry in ClinVar:

NM_001267550.2(TTN):c.73827del (p.Glu24609fs)

Genes: TTN (titin; minus strand), TTN-AS1 (TTN antisense RNA 1; plus strand). Cytogenetic location: 2q31.2.
Variant type: Deletion.
Coding change: c.73827del on transcript NM_001267550.2 (MANE Select); coding-DNA position 73827, one base deleted (A; older notation c.73827delA).
Protein change: p.Glu24609fs; shifts the reading frame from glutamic acid 24609.
Molecular consequence: frameshift variant.
Genome position (GRCh38, 1-based): chr2:178,572,305, T deleted on the plus strand (A on the coding strand, the reverse complement: TTN is on the minus strand); the first of 2 consecutive T bases (chr2:178,572,305-178,572,306); deleting either gives the same sequence. VCF-style (leftmost placement, unchanged base first): chr2-178572304-AT-A. GRCh37 (hg19) VCF-style: chr2-179437031-AT-A.
Other names: c.66123delA (NM_133378.4); c.68904del, p.Glu22968fs (NM_001256850.1); c.46632del, p.Glu15544fs (NM_003319.4); c.66123del, p.Glu22041fs (NM_133378.4); c.47007del, p.Glu15669fs (NM_133432.3); c.47208del, p.Glu15736fs (NM_133437.4); short protein forms E24609fs, E15544fs, E15669fs, E15736fs, E22041fs, E22968fs.
Identifiers: ClinVar variation 47323 (VCV000047323.6), dbSNP rs397517695, ClinGen allele CA261906.

ClinVar aggregate classification (germline): Likely pathogenic. Review status: criteria provided, single submitter (1 of 4 stars). 2 submissions from 2 submitters: Likely pathogenic (1). 1 of the submissions does not count toward it. Last evaluated 2020-09-08.

Conditions:
TTN-related disorder. Also called: TTN-related disorders; TTN-related condition; TTN-related disease.
Primary dilated cardiomyopathy (DCM). Also called: Dilated Cardiomyopathy. Identifiers: Orphanet 217604, MedGen C0007193, MeSH D002311, MONDO:0005021, HP:0001644. Inheritance: Various modes of inheritance.

Submissions (2):

Blueprint Genetics
Classification: Likely pathogenic for TTN-related disorders. Last evaluated: 2020-09-08. Review status: criteria provided, single submitter. Criteria: ACMG Guidelines, 2015. Collection method: clinical testing. Allele origin: germline. Affected: yes. Observed: 1 variant allele.

Laboratory for Molecular Medicine, Mass General Brigham Personalized Medicine
Classification: Likely pathogenic for Primary dilated cardiomyopathy. Last evaluated: 2012-09-10. Review status: no assertion criteria provided. Collection method: clinical testing. Allele origin: germline. Observed: 1 variant allele. Not counted in ClinVar's aggregate classification.
Comment: The Glu22041fs variant in TTN has not been reported in the literature nor previo usly identified by our laboratory. This frameshift variant is predicted to alter the protein?s amino acid sequence beginning at position 22041 and lead to a pre mature termination codon 3 amino acids downstream. Heterozygous loss of function of the TTN gene is strongly associated with DCM (Herman 2012). In summary, the Glu22041fs variant is likely pathogenic, though additional studies are required to fully establish its clinical significance.